The following is an entry in ClinVar:

ClinVar aggregate classification (germline): Benign (1 of 4 stars; one submission).

Allele frequency attached by ClinVar (database versions not stated): ESP Exome Variant Server 0.65694; gnomAD 0.67752; TOPMed 0.67882; ExAC 0.72679; 1000 Genomes Project 30x 0.73407; 1000 Genomes Project 0.73722.
gnomAD v4.1: 1,074,270 of 1,566,294 alleles (69%); highest among the groups gnomAD compares: East Asian, 94%; 374,168 homozygotes.

Submission:

Unidad de Genómica Garrahan, Hospital de Pediatría Garrahan
Classification: Benign. Last evaluated: 2024-01-24. Review status: criteria provided, single submitter. Criteria: ACMG Guidelines, 2015. Collection method: clinical testing. Allele origin: germline. Affected: no. Observed: 93 variant alleles.
Comment: This variant is classified as Benign based on local population frequency. This variant was detected in 98% of patients studied by a panel of primary immunodeficiencies. Number of patients: 93. Only high quality variants are reported.

NM_001289125.3(IFNAR2):c.841-33C>T

Genes: IFNAR2 (interferon alpha and beta receptor subunit 2; plus strand), IFNAR2-IL10RB (IFNAR2-IL10RB readthrough; plus strand). Cytogenetic location: 21q22.11.
Variant type: single nucleotide variant.
Coding change: c.841-33C>T on transcript NM_001289125.3 (MANE Select); 33 bases into the intron before coding-DNA position 841, C replaced by T.
Molecular consequence: intron variant. On other transcripts: 3 prime UTR variant (3).
Genome position (GRCh38, 1-based): chr21:33,262,760, C>T. VCF-style: chr21-33262760-C-T. GRCh37 (hg19) VCF-style: chr21-34635065-C-T.
Other names: c.*44C>T (NM_000874.5, NM_207584.3); c.*183C>T (NM_001385054.1); c.710-5634C>T (NM_001414505.1); c.710-33C>T (NM_001289128.2, NM_001289126.2); c.841-33C>T (NM_207585.3, NM_001385055.1).
Identifiers: ClinVar variation 2688253 (VCV002688253.2), dbSNP rs9984273, ClinGen allele CA10005845.